The following is an entry in ClinVar:

NM_000031.6(ALAD):c.72C>T (p.Thr24=)

Gene: ALAD (aminolevulinate dehydratase; minus strand). Cytogenetic location: 9q32.
Variant type: single nucleotide variant.
Coding change: c.72C>T on transcript NM_000031.6 (MANE Select); coding-DNA position 72, C replaced by T.
Protein change: p.Thr24=; no amino-acid change (threonine 24 retained).
Molecular consequence: synonymous variant. On other transcripts: 5 prime UTR variant (1).
Genome position (GRCh38, 1-based): chr9:113,393,488, G>A on the plus strand (C>T on the coding strand, the complement: ALAD is on the minus strand). VCF-style: chr9-113393488-G-A. GRCh37 (hg19) VCF-style: chr9-116155768-G-A.
Other names: p.Thr24=; c.-8C>T (NM_001003945.3); c.99C>T, p.Thr33= (NM_001317745.2).
Identifiers: ClinVar variation 364654 (VCV000364654.15), dbSNP rs1805314, ClinGen allele CA5196664.

ClinVar aggregate classification (germline): Benign/Likely benign. Review status: criteria provided, multiple submitters, no conflicts (2 of 4 stars). 4 submissions from 4 submitters: Benign (3); Likely benign (1). Last evaluated 2025-10-23.

Conditions:
Porphobilinogen synthase deficiency. Also called: ALAD DEFICIENCY; DELTA-AMINOLEVULINATE DEHYDRATASE DEFICIENCY; DOSS PORPHYRIA; PORPHYRIA, ALAD; Porphyria due to ALA dehydratase deficiency. Identifiers: Orphanet 100924, MedGen C0268328, MONDO:0013000, OMIM 612740.

Allele frequency attached by ClinVar (database versions not stated): TOPMed 0.00041; ExAC 0.00200; gnomAD 0.00029 and 0.00057; gnomAD exomes 0.00094 and 0.00180; 1000 Genomes Project 30x 0.00187; 1000 Genomes Project 0.00200.
gnomAD v4.1: 1,484 of 1,614,118 alleles (0.092%); highest among the groups gnomAD compares: South Asian, 1.1%; 22 homozygotes.

Submissions (4):

Labcorp Genetics (formerly Invitae), Labcorp
Classification: Benign. Last evaluated: 2025-10-23. Review status: criteria provided, single submitter. Criteria: Invitae Variant Classification Sherloc (09022015). Collection method: clinical testing. Allele origin: germline.

Mayo Clinic Laboratories, Mayo Clinic
Classification: Likely benign. Last evaluated: 2024-01-31. Review status: criteria provided, single submitter. Criteria: ACMG Guidelines, 2015. Collection method: clinical testing. Allele origin: germline. Observed: 2 variant alleles.
Comment: BS1, BS2, BP4

Illumina Laboratory Services, Illumina
Classification: Benign for Porphobilinogen synthase deficiency. Last evaluated: 2018-01-13. Review status: criteria provided, single submitter. Criteria: ICSL Variant Classification Criteria 13 December 2019. Collection method: clinical testing. Allele origin: germline.
Comment: This variant was observed in the ICSL laboratory as part of a predisposition screen in an ostensibly healthy population. It had not been previously curated by ICSL or reported in the Human Gene Mutation Database (HGMD: prior to June 1st, 2018), and was therefore a candidate for classification through an automated scoring system. Utilizing variant allele frequency, disease prevalence and penetrance estimates, and inheritance mode, an automated score was calculated to assess if this variant is too frequent to cause the disease. Based on the score and internal cut-off values, a variant classified as benign is not then subjected to further curation. The score for this variant resulted in a classification of benign for this disease.

Breakthrough Genomics
Classification: Benign. Review status: criteria provided, single submitter. Criteria: ACMG Guidelines, 2015. Collection method: not provided. Allele origin: germline. Inheritance: Autosomal recessive inheritance. Affected: yes.